The following is an entry in ClinVar:

NM_001613.4(ACTA2):c.482T>A (p.Val161Asp)

Gene: ACTA2 (actin alpha 2, smooth muscle; minus strand). Cytogenetic location: 10q23.31.
Variant type: single nucleotide variant.
Coding change: c.482T>A on transcript NM_001613.4 (MANE Select); coding-DNA position 482, T replaced by A.
Protein change: p.Val161Asp; replaces valine 161 with aspartic acid.
Molecular consequence: missense variant.
Genome position (GRCh38, 1-based): chr10:88,941,363, A>T on the plus strand (T>A on the coding strand, the complement: ACTA2 is on the minus strand). VCF-style: chr10-88941363-A-T. GRCh37 (hg19) VCF-style: chr10-90701120-A-T.
Other names: c.482T>A, p.Val161Asp (NM_001141945.3, NM_001320855.2, NM_001406462.1 and 3 more transcripts); c.371T>A, p.Val124Asp (NM_001406466.1); c.353T>A, p.Val118Asp (NM_001406467.1, NM_001406468.1, NM_001406469.1); short protein forms V161D, V118D, V124D.
Identifiers: ClinVar variation 920661 (VCV000920661.6), dbSNP rs1589394154, ClinGen allele CA377512329.

ClinVar aggregate classification (germline): Uncertain significance (1 of 4 stars; one submission).

Conditions:
Familial thoracic aortic aneurysm and aortic dissection (TAAD). Also called: Thoracic aortic aneurysms and dissections. Identifiers: Orphanet 91387, MedGen C4707243, MONDO:0019625.

Submission:

Color Diagnostics, LLC DBA Color Health
Classification: Uncertain significance for Familial thoracic aortic aneurysm and aortic dissection. Last evaluated: 2024-03-06. Review status: criteria provided, single submitter. Criteria: ACMG Guidelines, 2015. Collection method: clinical testing. Allele origin: germline.
Comment: This missense variant replaces valine with aspartic acid at codon 161 of the ACTA2 protein. Computational prediction suggests that this variant may have deleterious impact on protein structure and function (internally defined REVEL score threshold >= 0.7, PMID: 27666373). Splice site prediction tools suggest that this variant may not impact RNA splicing. To our knowledge, functional studies have not been performed for this variant. This variant has not been reported in individuals affected with cardiovascular disorders in the literature. This variant has not been identified in the general population by the Genome Aggregation Database (gnomAD). The available evidence is insufficient to determine the role of this variant in disease conclusively. Therefore, this variant is classified as a Variant of Uncertain Significance.